The following is an entry in ClinVar:

ClinVar aggregate classification (germline): Uncertain significance. Review status: criteria provided, multiple submitters, no conflicts (2 of 4 stars). 3 submissions from 3 submitters: Uncertain significance (3). Last evaluated 2025-12-23.

Conditions:
Granulomatous disease, chronic, autosomal recessive, cytochrome b-positive, type 3. Also called: GRANULOMATOUS DISEASE, CHRONIC, AUTOSOMAL RECESSIVE, 3; GRANULOMATOUS DISEASE, CHRONIC, DUE TO NCF4 DEFICIENCY; Granulomatous disease, chronic, autosomal recessive, cytochrome b-positive, type III; CGD, AUTOSOMAL RECESSIVE CYTOCHROME b-POSITIVE, TYPE III. Identifiers: Orphanet 379, MedGen C3151409, MONDO:0013507, OMIM 613960.

Allele frequency attached by ClinVar (database versions not stated): gnomAD 0.00014 and 0.00015; ESP Exome Variant Server 0.00031; gnomAD exomes 0.00004; ExAC 0.00007; TOPMed 0.00015.
gnomAD v4.1: 46 of 1,609,666 alleles (0.0029%); highest among the groups gnomAD compares: African/African-American, 0.057%; no homozygotes.

Submissions (3):

Dasa
Classification: Uncertain significance. Last evaluated: 2025-12-23. Review status: criteria provided, single submitter. Criteria: DASA Assertion Criteria. Collection method: clinical testing. Allele origin: germline.
Comment: NM_000631.5(NCF4):c.270A>T (p.Pro90=) is a synonymous variant predicted not to alter the encoded amino acid sequence. This variant is rare in population databases. Computational prediction algorithms are consistent with a deleterious effect. The currently available literature and clinical evidence are not sufficient to establish a definitive association between this variant and the reported condition. Therefore, this variant is classified as a variant of uncertain significance.

Labcorp Genetics (formerly Invitae), Labcorp
Classification: Uncertain significance for Granulomatous disease, chronic, autosomal recessive, cytochrome b-positive, type 3. Last evaluated: 2022-04-23. Review status: criteria provided, single submitter. Criteria: Invitae Variant Classification Sherloc (09022015). Collection method: clinical testing. Allele origin: germline.
Comment: This sequence change affects codon 90 of the NCF4 mRNA. It is a 'silent' change, meaning that it does not change the encoded amino acid sequence of the NCF4 protein. It affects a nucleotide within the consensus splice site. This variant is present in population databases (rs370754874, gnomAD 0.06%). This variant has not been reported in the literature in individuals affected with NCF4-related conditions. ClinVar contains an entry for this variant (Variation ID: 341551). Algorithms developed to predict the effect of sequence changes on RNA splicing suggest that this variant is not likely to affect RNA splicing. In summary, the available evidence is currently insufficient to determine the role of this variant in disease. Therefore, it has been classified as a Variant of Uncertain Significance.

Fulgent Genetics
Classification: Uncertain significance for Granulomatous disease, chronic, autosomal recessive, cytochrome b-positive, type 3. Last evaluated: 2021-08-11. Review status: criteria provided, single submitter. Criteria: ACMG Guidelines, 2015. Collection method: clinical testing. Allele origin: unknown.

NM_000631.5(NCF4):c.270A>T (p.Pro90=)

Genes: NCF4 (neutrophil cytosolic factor 4; plus strand), NCF4-AS1 (NCF4 antisense RNA 1; minus strand). Cytogenetic location: 22q12.3.
Variant type: single nucleotide variant.
Coding change: c.270A>T on transcript NM_000631.5 (MANE Select); coding-DNA position 270, A replaced by T.
Protein change: p.Pro90=; no amino-acid change (proline 90 retained).
Molecular consequence: synonymous variant.
Genome position (GRCh38, 1-based): chr22:36,865,071, A>T. VCF-style: chr22-36865071-A-T. GRCh37 (hg19) VCF-style: chr22-37261113-A-T.
Other names: c.270A>T, p.Pro90= (NM_013416.4).
Identifiers: ClinVar variation 341551 (VCV000341551.11), dbSNP rs370754874, ClinGen allele CA10212903.